The following is an entry in ClinVar:

ClinVar aggregate classification (germline): Pathogenic (1 of 4 stars; one submission).

Conditions:
Cataract 13 with adult I phenotype. Identifiers: Orphanet 91492, MedGen C3805373, MONDO:0007289, OMIM 116700.

Submission:

Labcorp Genetics (formerly Invitae), Labcorp
Classification: Pathogenic for Cataract 13 with adult I phenotype. Last evaluated: 2023-02-11. Review status: criteria provided, single submitter. Criteria: Invitae Variant Classification Sherloc (09022015). Collection method: clinical testing. Allele origin: germline.
Comment: For these reasons, this variant has been classified as Pathogenic. This variant has not been reported in the literature in individuals affected with GCNT2-related conditions. The frequency data for this variant in the population databases is considered unreliable, as metrics indicate poor data quality at this position in the gnomAD database. This sequence change creates a premature translational stop signal (p.His254Ilefs*47) in the GCNT2 gene. It is expected to result in an absent or disrupted protein product. Loss-of-function variants in GCNT2 are known to be pathogenic (PMID: 21761136).

Literature cited by the submitters: PubMed 21761136.

NM_001491.3(GCNT2):c.760del (p.His254fs)

Gene: GCNT2 (glucosaminyl (N-acetyl) transferase 2 (I blood group); plus strand). Cytogenetic location: 6p24.3.
Variant type: Deletion.
Coding change: c.760del on transcript NM_001491.3 (MANE Plus Clinical); coding-DNA position 760, one base deleted (C; older notation c.760delC).
Protein change: p.His254fs; shifts the reading frame from histidine 254.
Molecular consequence: frameshift variant. On other transcripts: intron variant (2).
Genome position (GRCh38, 1-based): chr6:10,557,183, C deleted; the last of 7 consecutive C bases (chr6:10,557,177-10,557,183); deleting any one gives the same sequence. VCF-style (leftmost placement, unchanged base first): chr6-10557176-TC-T. GRCh37 (hg19) VCF-style: chr6-10557409-TC-T.
Other names: c.925+27347del (NM_145649.5, NM_001374747.1); short protein forms H254fs.
Identifiers: ClinVar variation 2918140 (VCV002918140.3), dbSNP rs756999080, ClinGen allele CA448718439.
Genomic context (GRCh38, chr6:10,557,176, plus strand): 5'-CCAAGAGCACCTGGGCAAAGAGCTTTCCTATGTGATAAGAACAACAGCGTTGAAACCGCC[TC>T]CCCCCCATAATCTCACAATTTACTTTGGCTCTGCCTATGTGGCTCTATCAAGAGAGTTTG-3'